The following is an entry in ClinVar:

ClinVar aggregate classification (germline): Uncertain significance (1 of 4 stars; one submission).

gnomAD v4.1: 2 of 1,573,708 alleles (0.00013%); highest among the groups gnomAD compares: Non-Finnish European, 0.00017%; no homozygotes.

Submission:

Labcorp Genetics (formerly Invitae), Labcorp
Classification: Uncertain significance. Last evaluated: 2023-07-04. Review status: criteria provided, single submitter. Criteria: Invitae Variant Classification Sherloc (09022015). Collection method: clinical testing. Allele origin: germline.
Comment: This sequence change replaces proline, which is neutral and non-polar, with leucine, which is neutral and non-polar, at codon 18 of the CTBP1 protein (p.Pro18Leu). In summary, the available evidence is currently insufficient to determine the role of this variant in disease. Therefore, it has been classified as a Variant of Uncertain Significance. An algorithm developed to predict the effect of missense changes on protein structure and function (PolyPhen-2) suggests that this variant is likely to be tolerated. This variant has not been reported in the literature in individuals affected with CTBP1-related conditions. This variant is not present in population databases (gnomAD no frequency).

NM_001012614.2(CTBP1):c.20C>T (p.Pro7Leu)

Gene: CTBP1 (C-terminal binding protein 1; minus strand). Cytogenetic location: 4p16.3.
Variant type: single nucleotide variant.
Coding change: c.20C>T on transcript NM_001012614.2 (MANE Select); coding-DNA position 20, C replaced by T.
Protein change: p.Pro7Leu; replaces proline 7 with leucine.
Molecular consequence: missense variant.
Genome position (GRCh38, 1-based): chr4:1,238,325, G>A on the plus strand (C>T on the coding strand, the complement: CTBP1 is on the minus strand). VCF-style: chr4-1238325-G-A. GRCh37 (hg19) VCF-style: chr4-1232113-G-A.
Other names: c.53C>T, p.Pro18Leu (NM_001328.3, NM_001377186.1); c.20C>T, p.Pro7Leu (NM_001377187.1, NM_001377188.1, NM_001377189.1 and 4 more transcripts); short protein forms P7L, P18L.
Identifiers: ClinVar variation 2832699 (VCV002832699.3), dbSNP rs1731790714, ClinGen allele CA355961071.